The following is an entry in ClinVar:

ClinVar aggregate classification (germline): Conflicting classifications of pathogenicity. Review status: criteria provided, conflicting classifications (1 of 4 stars). 6 submissions from 4 submitters: Uncertain significance (2); Benign (2); Likely benign (2). Last evaluated 2025-12-24.

Conditions:
Elliptocytosis 2 (EL2). Also called: ELLIPTOCYTOSIS, RHESUS-UNLINKED TYPE. Identifiers: Orphanet 288, MedGen C1851741, MONDO:0007533, OMIM 130600.
Pyropoikilocytosis, hereditary. Also called: Pyropoikilocytosis. Identifiers: MedGen C0520739, MONDO:0009948, OMIM 266140, HP:0004839. Disease mechanism: loss of function.
Hereditary spherocytosis type 3. Also called: Spherocytosis type 3; SPTA1-Related Spherocytosis. Identifiers: Orphanet 822, MedGen C2678338, MONDO:0010053, OMIM 270970.

Allele frequency attached by ClinVar (database versions not stated): gnomAD exomes 0.00063 and 0.00144; ExAC 0.00173; 1000 Genomes Project 0.00459; 1000 Genomes Project 30x 0.00531; gnomAD 0.00568 and 0.00621; ESP Exome Variant Server 0.00595; TOPMed 0.00600.
gnomAD v4.1: 1,832 of 1,614,102 alleles (0.11%); highest among the groups gnomAD compares: African/African-American, 1.9%; 18 homozygotes.

Submissions (7):

Labcorp Genetics (formerly Invitae), Labcorp
Classification: Benign. Last evaluated: 2025-12-24. Review status: criteria provided, single submitter. Criteria: Invitae Variant Classification Sherloc (09022015). Collection method: clinical testing. Allele origin: germline.

Mayo Clinic Laboratories, Mayo Clinic
Classification: Likely benign. Last evaluated: 2025-08-12. Review status: criteria provided, single submitter. Criteria: ACMG Guidelines, 2015. Collection method: clinical testing. Allele origin: germline. Observed: 34 variant alleles.
Comment: BS2, BP4, BP7

ARUP Laboratories, Molecular Genetics and Genomics, ARUP Laboratories
Classification: Benign. Last evaluated: 2024-05-28. Review status: criteria provided, single submitter. Criteria: ARUP Molecular Germline Variant Investigation Process 2024. Collection method: clinical testing. Allele origin: germline.

Illumina Laboratory Services, Illumina
Classification: Likely benign for Elliptocytosis 2. Last evaluated: 2018-01-12. Review status: criteria provided, single submitter. Criteria: ICSL Variant Classification Criteria 13 December 2019. Collection method: clinical testing. Allele origin: germline.
Comment: This variant was observed in the ICSL laboratory as part of a predisposition screen in an ostensibly healthy population. It had not been previously curated by ICSL or reported in the Human Gene Mutation Database (HGMD: prior to June 1st, 2018), and was therefore a candidate for classification through an automated scoring system. Utilizing variant allele frequency, disease prevalence and penetrance estimates, and inheritance mode, an automated score was calculated to assess if this variant is too frequent to cause the disease. Based on the score and internal cut-off values, a variant classified as likely benign is not then subjected to further curation. The score for this variant resulted in a classification of likely benign for this disease.

Illumina Laboratory Services, Illumina
Classification: Uncertain significance for Hereditary spherocytosis type 3. Last evaluated: 2018-01-12. Review status: criteria provided, single submitter. Criteria: ICSL Variant Classification Criteria 13 December 2019. Collection method: clinical testing. Allele origin: germline.

Illumina Laboratory Services, Illumina
Classification: Uncertain significance for Pyropoikilocytosis, hereditary. Last evaluated: 2018-01-12. Review status: criteria provided, single submitter. Criteria: ICSL Variant Classification Criteria 13 December 2019. Collection method: clinical testing. Allele origin: germline.

Dr. Peter K. Rogan Lab, Western University
No classification provided (evidence only). Condition: Thymoma. Review status: no classification provided. Collection method: in vitro. Allele origin: not applicable. Functional consequence: retained intron. Not counted in ClinVar's aggregate classification.

NM_003126.4(SPTA1):c.1680G>C (p.Leu560=)

Gene: SPTA1 (spectrin alpha, erythrocytic 1; minus strand). Cytogenetic location: 1q23.1.
Variant type: single nucleotide variant.
Coding change: c.1680G>C on transcript NM_003126.4 (MANE Select); coding-DNA position 1680, G replaced by C.
Protein change: p.Leu560=; no amino-acid change (leucine 560 retained).
Molecular consequence: synonymous variant.
Genome position (GRCh38, 1-based): chr1:158,669,561, C>G on the plus strand (G>C on the coding strand, the complement: SPTA1 is on the minus strand). VCF-style: chr1-158669561-C-G. GRCh37 (hg19) VCF-style: chr1-158639351-C-G.
Other names: p.Leu560=.
Identifiers: ClinVar variation 293033 (VCV000293033.24), dbSNP rs73020251, ClinGen allele CA1183652.